The following is an entry in ClinVar:

NM_000321.3(RB1):c.30C>G (p.Ala10=)

Gene: RB1 (RB transcriptional corepressor 1; plus strand). Cytogenetic location: 13q14.2.
Variant type: single nucleotide variant.
Coding change: c.30C>G on transcript NM_000321.3 (MANE Select); coding-DNA position 30, C replaced by G.
Protein change: p.Ala10=; no amino-acid change (alanine 10 retained).
Molecular consequence: synonymous variant.
Genome position (GRCh38, 1-based): chr13:48,303,942, C>G. VCF-style: chr13-48303942-C-G. GRCh37 (hg19) VCF-style: chr13-48878078-C-G.
Identifiers: ClinVar variation 458164 (VCV000458164.30), dbSNP rs530961288, ClinGen allele CA249842024.

ClinVar aggregate classification (germline): Benign/Likely benign. Review status: criteria provided, multiple submitters, no conflicts (2 of 4 stars). 6 submissions from 6 submitters: Benign (1); Likely benign (5). Last evaluated 2026-06-23.

Conditions:
Retinoblastoma (RB1). Also called: RETINOBLASTOMA, SOMATIC. Identifiers: Orphanet 790, MedGen C0035335, MeSH D012175, MONDO:0008380, OMIM 180200, HP:0009919. Disease mechanism: loss of function. Inheritance: Both sporadic and heritable forms are tested..
Hereditary cancer-predisposing syndrome. Also called: Hereditary neoplastic syndrome; Neoplastic Syndromes, Hereditary; Hereditary Cancer Syndrome; Tumor predisposition. Identifiers: Orphanet 140162, MedGen C0027672, MeSH D009386, MONDO:0015356.

Allele frequency attached by ClinVar (database versions not stated): TOPMed 0.00002; gnomAD 0.00003; 1000 Genomes Project 30x 0.00016; 1000 Genomes Project 0.00020.
gnomAD v4.1: 22 of 1,509,364 alleles (0.0015%); highest among the groups gnomAD compares: Admixed American, 0.0082%; no homozygotes.

Submissions (6):

Myriad Genetics, Inc.
Classification: Benign for Retinoblastoma. Last evaluated: 2026-06-23. Review status: criteria provided, single submitter. Criteria: Myriad Autosomal Dominant, Autosomal Recessive and X-Linked Classification Criteria (2023). Collection method: clinical testing. Allele origin: unknown.
Comment: This variant is considered benign. This variant is a silent/synonymous amino acid change and it is not expected to impact splicing.

Labcorp Genetics (formerly Invitae), Labcorp
Classification: Likely benign for Retinoblastoma. Last evaluated: 2026-01-26. Review status: criteria provided, single submitter. Criteria: Invitae Variant Classification Sherloc (09022015). Collection method: clinical testing. Allele origin: germline.

CeGaT Center for Human Genetics Tuebingen
Classification: Likely benign. Last evaluated: 2025-01-01. Review status: criteria provided, single submitter. Criteria: CeGaT Center For Human Genetics Tuebingen Variant Classification Criteria Version 2. Collection method: clinical testing. Allele origin: germline. Affected: yes. Observed: 1 variant allele.
Comment: RB1: BP4, BP7

All of Us Research Program, National Institutes of Health
Classification: Likely benign for Retinoblastoma. Last evaluated: 2023-11-30. Review status: criteria provided, single submitter. Criteria: ACMG Guidelines, 2015. Collection method: clinical testing. Allele origin: germline. Inheritance: Autosomal dominant inheritance. Observed: 3 variant alleles, 3 heterozygotes.
Comment: This study involves interpretation of variants in research participants for the purpose of population health screening. Participant phenotype was not available at the time of variant classification. Additional details can be found in publication PMID: 35346344, PMCID: PMC8962531

Color Diagnostics, LLC DBA Color Health
Classification: Likely benign for Retinoblastoma. Last evaluated: 2022-04-13. Review status: criteria provided, single submitter. Criteria: ACMG Guidelines, 2015. Collection method: clinical testing. Allele origin: germline.

Ambry Genetics
Classification: Likely benign for Hereditary cancer-predisposing syndrome. Last evaluated: 2019-07-26. Review status: criteria provided, single submitter. Criteria: Ambry Variant Classification Scheme 2023. Collection method: clinical testing. Allele origin: germline.